The following is an entry in ClinVar:

ClinVar aggregate classification (germline): Uncertain significance. Review status: criteria provided, multiple submitters, no conflicts (2 of 4 stars). 6 submissions from 6 submitters: Uncertain significance (5). 1 of the submissions does not count toward it. Last evaluated 2026-03-03.

Conditions:
Mitochondrial complex II deficiency, nuclear type 1. Also called: SUCCINATE CoQ REDUCTASE DEFICIENCY. Identifiers: Orphanet 3208, MedGen C5700310, MONDO:0100294, OMIM 252011.
Pheochromocytoma/paraganglioma syndrome 5. Also called: Paragangliomas 5; SDHA-Related Hereditary Paraganglioma-Pheochromocytoma Syndrome. Identifiers: Orphanet 29072, MedGen C3279992, MONDO:0013602, OMIM 614165.
SDHA-related disorder. Also called: SDHA-related condition; SDHA-related disorders.
Hereditary cancer-predisposing syndrome. Also called: Neoplastic Syndromes, Hereditary; Hereditary Cancer Syndrome; Hereditary neoplastic syndrome; Tumor predisposition. Identifiers: Orphanet 140162, MedGen C0027672, MeSH D009386, MONDO:0015356.

Allele frequency attached by ClinVar (database versions not stated): gnomAD 0.00001; TOPMed 0.00001; ExAC 0.00002; gnomAD exomes 0.00002; 1000 Genomes Project 30x 0.00016; 1000 Genomes Project 0.00020.
gnomAD v4.1: 28 of 1,613,940 alleles (0.0017%); highest among the groups gnomAD compares: African/African-American, 0.0067%; no homozygotes.

Submissions (6):

Ambry Genetics
Classification: Uncertain significance for Hereditary cancer-predisposing syndrome. Last evaluated: 2026-03-03. Review status: criteria provided, single submitter. Criteria: Ambry Variant Classification Scheme 2023. Collection method: clinical testing. Allele origin: germline.
Comment: The c.1300G>A (p.G434S) alteration is located in exon 10 (coding exon 10) of the SDHA gene. This alteration results from a G to A substitution at nucleotide position 1300, causing the glycine (G) at amino acid position 434 to be replaced by a serine (S). Based on data from gnomAD, the A allele has an overall frequency of 0.003% (7/282462) total alleles studied. The highest observed frequency was 0.014% (1/7220) of Other alleles. Based on insufficient or conflicting evidence, the clinical significance of this alteration remains unclear.

Labcorp Genetics (formerly Invitae), Labcorp
Classification: Uncertain significance for Pheochromocytoma/paraganglioma syndrome 5; Mitochondrial complex II deficiency, nuclear type 1. Last evaluated: 2026-01-14. Review status: criteria provided, single submitter. Criteria: Invitae Variant Classification Sherloc (09022015). Collection method: clinical testing. Allele origin: germline.
Comment: This sequence change replaces glycine, which is neutral and non-polar, with serine, which is neutral and polar, at codon 434 of the SDHA protein (p.Gly434Ser). This variant is present in population databases (rs529198317, gnomAD 0.008%). This variant has not been reported in the literature in individuals affected with SDHA-related conditions. ClinVar contains an entry for this variant (Variation ID: 472319). Invitae Evidence Modeling of protein sequence and biophysical properties (such as structural, functional, and spatial information, amino acid conservation, physicochemical variation, residue mobility, and thermodynamic stability) has been performed for this missense variant. However, the output from this modeling did not meet the statistical confidence thresholds required to predict the impact of this variant on SDHA protein function. In summary, the available evidence is currently insufficient to determine the role of this variant in disease. Therefore, it has been classified as a Variant of Uncertain Significance.

Women's Health and Genetics/Laboratory Corporation of America, LabCorp
Classification: Uncertain significance. Last evaluated: 2024-06-10. Review status: criteria provided, single submitter. Criteria: LabCorp Variant Classification Summary - May 2015. Collection method: clinical testing. Allele origin: germline.
Comment: Variant summary: SDHA c.1300G>A (p.Gly434Ser) results in a non-conservative amino acid change located in the FAD-dependent oxidoreductase 2, FAD binding domain (IPR003953) of the encoded protein sequence. Five of five in-silico tools predict a damaging effect of the variant on protein function. The variant allele was found at a frequency of 2.4e-05 in 251068 control chromosomes (gnomAD). The available data on variant occurrences in the general population are insufficient to allow any conclusion about variant significance. To our knowledge, no occurrence of c.1300G>A in individuals affected with Neurodegeneration With Ataxia And Late-Onset Optic Atrophy and no experimental evidence demonstrating its impact on protein function have been reported. ClinVar contains an entry for this variant (Variation ID: 472319). Based on the evidence outlined above, the variant was classified as uncertain significance.

GeneDx
Classification: Uncertain significance. Last evaluated: 2023-08-24. Review status: criteria provided, single submitter. Criteria: GeneDx Variant Classification Process June 2021. Collection method: clinical testing. Allele origin: germline. Affected: yes.
Comment: Not observed at significant frequency in large population cohorts (gnomAD); In silico analysis supports that this missense variant has a deleterious effect on protein structure/function; Has not been previously published as pathogenic or benign to our knowledge

Quest Diagnostics Nichols Institute San Juan Capistrano
Classification: Uncertain significance. Last evaluated: 2023-01-20. Review status: criteria provided, single submitter. Criteria: Quest Diagnostics criteria. Collection method: clinical testing. Allele origin: unknown.
Comment: The variant has not been reported in the published literature. The frequency of this variant in the general population, 0.000025 (7/282462 chromosomes), is uninformative in assessment of its pathogenicity. Analysis of this variant using bioinformatics tools for the prediction of the effect of amino acid changes on protein structure and function yielded predictions that this variant is damaging. Based on the available information, we are unable to determine the clinical significance of this variant.

PreventionGenetics, part of Exact Sciences
Classification: Uncertain significance for SDHA-related condition. Last evaluated: 2023-11-27. Review status: no assertion criteria provided. Collection method: clinical testing. Allele origin: germline. Not counted in ClinVar's aggregate classification.
Comment: The SDHA c.1300G>A variant is predicted to result in the amino acid substitution p.Gly434Ser. To our knowledge, this variant has not been reported in the literature. This variant is reported in 0.0080% of alleles in individuals of African descent in gnomAD. At this time, the clinical significance of this variant is uncertain due to the absence of conclusive functional and genetic evidence.

NM_004168.4(SDHA):c.1300G>A (p.Gly434Ser)

Gene: SDHA (succinate dehydrogenase complex flavoprotein subunit A; plus strand). Cytogenetic location: 5p15.33.
Variant type: single nucleotide variant.
Coding change: c.1300G>A on transcript NM_004168.4 (MANE Select); coding-DNA position 1300, G replaced by A.
Protein change: p.Gly434Ser; replaces glycine 434 with serine.
Molecular consequence: missense variant.
Genome position (GRCh38, 1-based): chr5:236,467, G>A. VCF-style: chr5-236467-G-A. GRCh37 (hg19) VCF-style: chr5-236582-G-A.
Other names: c.1156G>A, p.Gly386Ser (NM_001294332.2); c.1300G>A, p.Gly434Ser (NM_001330758.2); short protein forms G434S, G386S.
Identifiers: ClinVar variation 472319 (VCV000472319.19), dbSNP rs529198317, ClinGen allele CA3173187.